The following is an entry in ClinVar:

ClinVar aggregate classification (germline): Conflicting classifications of pathogenicity. Review status: criteria provided, conflicting classifications (1 of 4 stars). 2 submissions from 2 submitters: Pathogenic (1); Uncertain significance (1). Last evaluated 2024-09-24.

Conditions:
CD40LG-related disorder. Also called: CD40LG-related condition.
Hyper-IgM syndrome type 1. Also called: Hyper-IgM Immunodeficiency Syndrome, Type 1; CD40 Ligand Deficiency; X-linked hyper-IgM syndrome; Immunodeficiency, X-linked, with hyper-IgM. Identifiers: Orphanet 101088, MedGen C0398689, MONDO:0010626, OMIM 308230.

Submissions (2):

Blueprint Genetics
Classification: Pathogenic for CD40LG-related disorders. Last evaluated: 2024-09-24. Review status: criteria provided, single submitter. Criteria: ACMG Guidelines, 2015. Collection method: clinical testing. Allele origin: germline. Affected: yes. Observed: 1 variant allele.

Labcorp Genetics (formerly Invitae), Labcorp
Classification: Uncertain significance for Hyper-IgM syndrome type 1. Last evaluated: 2018-06-29. Review status: criteria provided, single submitter. Criteria: Invitae Variant Classification Sherloc (09022015). Collection method: clinical testing. Allele origin: germline.
Comment: This variant is not present in population databases (ExAC no frequency). In summary, the available evidence is currently insufficient to determine the role of this variant in disease. Therefore, it has been classified as a Variant of Uncertain Significance. Experimental studies have shown that cells carrying this missense change express CD40L protein, but that it does not bind CD40-Ig (PMID: 9746782). This variant has been observed in several families affected with hyper IgM syndrome, however, clinical details for these families were not provided (PMID: 9746782). This sequence change replaces leucine with serine at codon 258 of the CD40LG protein (p.Leu258Ser). The leucine residue is highly conserved and there is a large physicochemical difference between leucine and serine.

Literature cited by the submitters: PubMed 9746782 (cited by Labcorp Genetics (formerly Invitae), Labcorp).

NM_000074.3(CD40LG):c.773T>C (p.Leu258Ser)

Gene: CD40LG (CD40 ligand; plus strand). Cytogenetic location: Xq26.3.
Variant type: single nucleotide variant.
Coding change: c.773T>C on transcript NM_000074.3 (MANE Select); coding-DNA position 773, T replaced by C.
Protein change: p.Leu258Ser; replaces leucine 258 with serine.
Molecular consequence: missense variant.
Genome position (GRCh38, 1-based): chrX:136,659,402, T>C. VCF-style: chrX-136659402-T-C. GRCh37 (hg19) VCF-style: chrX-135741561-T-C.
Other names: short protein forms L258S.
Identifiers: ClinVar variation 569900 (VCV000569900.10), dbSNP rs1569377884, ClinGen allele CA414757172.